The following is an entry in ClinVar:

NM_020975.6(RET):c.3019A>G (p.Lys1007Glu)

Gene: RET (ret proto-oncogene; plus strand). Cytogenetic location: 10q11.21.
Variant type: single nucleotide variant.
Coding change: c.3019A>G on transcript NM_020975.6 (MANE Select); coding-DNA position 3019, A replaced by G.
Protein change: p.Lys1007Glu; replaces lysine 1007 with glutamic acid.
Molecular consequence: missense variant.
Genome position (GRCh38, 1-based): chr10:43,124,962, A>G. VCF-style: chr10-43124962-A-G. GRCh37 (hg19) VCF-style: chr10-43620410-A-G.
Other names: c.3019A>G, p.Lys1007Glu (NM_001406744.1, NM_001406759.1, NM_001406760.1 and 4 more transcripts); c.2890A>G, p.Lys964Glu (NM_001406761.1, NM_001406762.1, NM_001406764.1); c.2884A>G, p.Lys962Glu (NM_001406763.1, NM_001406765.1); c.2122A>G, p.Lys708Glu (NM_001406779.1, NM_001406780.1, NM_001406781.1 and 1 more transcripts); c.2293A>G, p.Lys765Glu (NM_001406775.1, NM_001406776.1, NM_001406777.1 and 1 more transcripts); c.2755A>G, p.Lys919Glu (NM_001406768.1); c.2623A>G, p.Lys875Glu (NM_001406769.1, NM_001406772.1); c.2731A>G, p.Lys911Glu (NM_001406770.1, NM_001406766.1, NM_001406767.1); and 10 more; short protein forms K1007E, K753E, K572E, K663E, K665E, K677E, K964E, K708E.
Identifiers: ClinVar variation 660617 (VCV000660617.10), dbSNP rs774840230, ClinGen allele CA042015.

ClinVar aggregate classification (germline): Uncertain significance. Review status: criteria provided, multiple submitters, no conflicts (2 of 4 stars). 2 submissions from 2 submitters: Uncertain significance (2). Last evaluated 2024-09-21.

Conditions:
Hereditary cancer-predisposing syndrome. Also called: Hereditary neoplastic syndrome; Neoplastic Syndromes, Hereditary; Hereditary Cancer Syndrome; Tumor predisposition. Identifiers: Orphanet 140162, MedGen C0027672, MeSH D009386, MONDO:0015356.
Multiple endocrine neoplasia, type 2 (MEN2). Identifiers: Orphanet 653, MedGen C4048306, MONDO:0019003. Disease mechanism: gain of function.

Allele frequency attached by ClinVar (database versions not stated): gnomAD exomes below 0.00001; TOPMed below 0.00001; ExAC 0.00001.
gnomAD v4.1: 1 of 1,614,164 alleles (0.000062%); highest among the groups gnomAD compares: Non-Finnish European, 0.000085%; no homozygotes.

Submissions (2):

Labcorp Genetics (formerly Invitae), Labcorp
Classification: Uncertain significance for Multiple endocrine neoplasia, type 2. Last evaluated: 2024-09-21. Review status: criteria provided, single submitter. Criteria: Invitae Variant Classification Sherloc (09022015). Collection method: clinical testing. Allele origin: germline.
Comment: This sequence change replaces lysine, which is basic and polar, with glutamic acid, which is acidic and polar, at codon 1007 of the RET protein (p.Lys1007Glu). This variant is present in population databases (rs774840230, gnomAD 0.0009%). This variant has not been reported in the literature in individuals affected with RET-related conditions. ClinVar contains an entry for this variant (Variation ID: 660617). An algorithm developed to predict the effect of missense changes on protein structure and function (PolyPhen-2) suggests that this variant is likely to be disruptive. In summary, the available evidence is currently insufficient to determine the role of this variant in disease. Therefore, it has been classified as a Variant of Uncertain Significance.

Ambry Genetics
Classification: Uncertain significance for Hereditary cancer-predisposing syndrome. Last evaluated: 2023-10-06. Review status: criteria provided, single submitter. Criteria: Ambry Variant Classification Scheme 2023. Collection method: clinical testing. Allele origin: germline.
Comment: The p.K1007E variant (also known as c.3019A>G), located in coding exon 18 of the RET gene, results from an A to G substitution at nucleotide position 3019. The lysine at codon 1007 is replaced by glutamic acid, an amino acid with similar properties. This amino acid position is conserved. In addition, the in silico prediction for this alteration is inconclusive. Since supporting evidence is limited at this time, the clinical significance of this alteration remains unclear.